The following is an entry in ClinVar:

ClinVar aggregate classification (germline): Benign (0 of 4 stars; one submission).

Conditions:
FAM47B-related disorder. Also called: FAM47B-related condition.

Allele frequency attached by ClinVar (database versions not stated): ExAC 0.00254; 1000 Genomes Project 0.00450; 1000 Genomes Project 30x 0.00458; gnomAD 0.00627; TOPMed 0.00775; ESP Exome Variant Server 0.00947.

Submission:

PreventionGenetics, part of Exact Sciences
Classification: Benign for FAM47B-related condition. Last evaluated: 2019-03-14. Review status: no assertion criteria provided. Collection method: clinical testing. Allele origin: germline.
Comment: This variant is classified as benign based on ACMG/AMP sequence variant interpretation guidelines (Richards et al. 2015 PMID: 25741868, with internal and published modifications).

NM_152631.3(FAM47B):c.766G>T (p.Val256Leu)

Gene: FAM47B (family with sequence similarity 47 member B; plus strand). Cytogenetic location: Xp21.1.
Variant type: single nucleotide variant.
Coding change: c.766G>T on transcript NM_152631.3 (MANE Select); coding-DNA position 766, G replaced by T.
Protein change: p.Val256Leu; replaces valine 256 with leucine.
Molecular consequence: missense variant.
Genome position (GRCh38, 1-based): chrX:34,943,597, G>T. VCF-style: chrX-34943597-G-T. GRCh37 (hg19) VCF-style: chrX-34961714-G-T.
Other names: short protein forms V256L.
Identifiers: ClinVar variation 3052391 (VCV003052391.2), dbSNP rs74580518, ClinGen allele CA10380993.